The following is an entry in ClinVar:

NM_001081.4(CUBN):c.9705G>A (p.Thr3235=)

Gene: CUBN (cubilin; minus strand). Cytogenetic location: 10p13.
Variant type: single nucleotide variant.
Coding change: c.9705G>A on transcript NM_001081.4 (MANE Select); coding-DNA position 9705, G replaced by A.
Protein change: p.Thr3235=; no amino-acid change (threonine 3235 retained).
Molecular consequence: synonymous variant.
Genome position (GRCh38, 1-based): chr10:16,841,006, C>T on the plus strand (G>A on the coding strand, the complement: CUBN is on the minus strand). VCF-style: chr10-16841006-C-T. GRCh37 (hg19) VCF-style: chr10-16883005-C-T.
Identifiers: ClinVar variation 695872 (VCV000695872.13), dbSNP rs370784621, ClinGen allele CA5422615.

ClinVar aggregate classification (germline): Likely benign. Review status: criteria provided, multiple submitters, no conflicts (2 of 4 stars). 4 submissions from 4 submitters: Likely benign (3). 1 of the submissions does not count toward it. Last evaluated 2025-06-12.

Conditions:
CUBN-related disorder. Also called: CUBN-related condition.
Imerslund-Grasbeck syndrome type 1 (IGS1). Also called: Megaloblastic anemia 1, Finnish type; MEGALOBLASTIC ANEMIA, 1; Imerslund-Gräsbeck syndrome 1. Identifiers: MedGen C4016819, MONDO:0100156, OMIM 261100.
Proteinuria, chronic benign. Identifiers: MedGen C5394384, MONDO:0030042, OMIM 618884.
Imerslund-Grasbeck syndrome. Also called: Megaloblastic anemia due to inborn errors of metabolism; ENTEROCYTE COBALAMIN MALABSORPTION; ENTEROCYTE INTRINSIC FACTOR RECEPTOR, DEFECT OF; Imerslund-Gräsbeck syndrome; PERNICIOUS ANEMIA, JUVENILE, DUE TO SELECTIVE INTESTINAL MALABSORPTION OF VITAMIN B12, WITH PROTEINURIA. Identifiers: Orphanet 35858, MedGen C4551825, MONDO:0009853.

Allele frequency attached by ClinVar (database versions not stated): 1000 Genomes Project 30x 0.00031; 1000 Genomes Project 0.00040; gnomAD exomes 0.00004 and 0.00010; ESP Exome Variant Server 0.00023; ExAC 0.00012; gnomAD 0.00031; TOPMed 0.00040.
gnomAD v4.1: 114 of 1,614,084 alleles (0.0071%); highest among the groups gnomAD compares: African/African-American, 0.11%; no homozygotes.

Submissions (4):

Labcorp Genetics (formerly Invitae), Labcorp
Classification: Likely benign for Imerslund-Grasbeck syndrome. Last evaluated: 2025-06-12. Review status: criteria provided, single submitter. Criteria: Invitae Variant Classification Sherloc (09022015). Collection method: clinical testing. Allele origin: germline.

Fulgent Genetics
Classification: Likely benign for Imerslund-Grasbeck syndrome type 1; Proteinuria, chronic benign. Last evaluated: 2021-09-13. Review status: criteria provided, single submitter. Criteria: ACMG Guidelines, 2015. Collection method: clinical testing. Allele origin: unknown.

Breakthrough Genomics
Classification: Likely benign. Review status: criteria provided, single submitter. Criteria: ACMG Guidelines, 2015. Collection method: not provided. Allele origin: germline. Inheritance: Autosomal recessive inheritance. Affected: yes.

PreventionGenetics, part of Exact Sciences
Classification: Likely benign for CUBN-related condition. Last evaluated: 2024-04-26. Review status: no assertion criteria provided. Collection method: clinical testing. Allele origin: germline. Not counted in ClinVar's aggregate classification.
Comment: This variant is classified as likely benign based on ACMG/AMP sequence variant interpretation guidelines (Richards et al. 2015 PMID: 25741868, with internal and published modifications).